The following is an entry in ClinVar:

NM_000551.4(VHL):c.371_377del (p.Thr124fs)

Genes: VHL (von Hippel-Lindau tumor suppressor; plus strand), LOC107303340 (3p25 von Hippel-Lindau tumor suppressor, E3 ubiquitin protein ligase Alu-mediated recombination region; plus strand). Cytogenetic location: 3p25.3.
Variant type: Deletion.
Coding change: c.371_377del on transcript NM_000551.4 (MANE Select); coding-DNA positions 371 to 377, 7 bases deleted (CACACGA; older notation c.371_377delCACACGA).
Protein change: p.Thr124fs; shifts the reading frame from threonine 124.
Molecular consequence: frameshift variant. On other transcripts: non-coding transcript variant (1), intron variant (2).
Genome position (GRCh38, 1-based): chr3:10,146,544-10,146,550, CACACGA deleted; deleting any 7 consecutive bases within chr3:10,146,542-10,146,550 gives the same sequence; the c. name uses the placement nearest the transcript's 3' end. VCF-style (leftmost placement, unchanged base first): chr3-10146541-GGACACAC-G. GRCh37 (hg19) VCF-style: chr3-10188225-GGACACAC-G.
Other names: c.*18-3243_*18-3237del (NM_001354723.2); c.341-3243_341-3237del (NM_198156.3); short protein forms T124fs.
Identifiers: ClinVar variation 4759338 (VCV004759338.1).

ClinVar aggregate classification (germline): Likely pathogenic (1 of 4 stars; one submission).

Conditions:
Von Hippel-Lindau syndrome (VHLS). Also called: von Hippel–Lindau syndrome; VHL syndrome; Von Hippel-Lindau. Identifiers: Orphanet 892, MedGen C0019562, MONDO:0008667, OMIM 193300. Disease mechanism: loss of function.

Submission:

Institute for Genomic Medicine (IGM) Clinical Laboratory, Nationwide Children's Hospital
Classification: Likely pathogenic for Von Hippel-Lindau syndrome. Last evaluated: 2024-07-15. Review status: criteria provided, single submitter. Criteria: ACMG Guidelines, 2015. Collection method: clinical testing. Allele origin: germline.
Comment: This variant is predicted to result in loss of function through nonsense-mediated decay of the encoded transcript or premature truncation of the encoded protein in a gene in which loss of function is a known mechanism of disease (ACMG/AMP: PVS1; PMIDs:12202531, 8956040, 20151405). This variant is absent from or present at an exceedingly low frequency in gnomAD, a large-scale control population database (ACMG/AMP: PM2).

Literature cited by the submitters: PubMed 12202531; PubMed 8956040; PubMed 20151405.